The following is an entry in ClinVar:

NM_002700.3(POU4F3):c.822_833del (p.Lys275_Arg278del)

Genes: POU4F3 (POU class 4 homeobox 3; plus strand), LOC127814297 (RBM27-POU4F3; plus strand). Cytogenetic location: 5q32.
Variant type: Deletion.
Coding change: c.822_833del on transcript NM_002700.3 (MANE Select); coding-DNA positions 822 to 833, 12 bases deleted (GAAGCGCAAACG).
Protein change: p.Lys275_Arg278del.
Molecular consequence: inframe deletion. On other transcripts: 3 prime UTR variant (1).
Genome position (GRCh38, 1-based): chr5:146,340,249-146,340,260, GAAGCGCAAACG deleted; deleting any 12 consecutive bases within chr5:146,340,245-146,340,260 gives the same sequence; the c. name uses the placement nearest the transcript's 3' end. VCF-style (leftmost placement, unchanged base first): chr5-146340244-GAACGGAAGCGCA-G. GRCh37 (hg19) VCF-style: chr5-145719807-GAACGGAAGCGCA-G.
Other names: c.*691_*702del (NM_001414499.1).
Identifiers: ClinVar variation 3343289 (VCV003343289.1).

ClinVar aggregate classification (germline): Uncertain significance (1 of 4 stars; one submission).

Submission:

GeneDx
Classification: Uncertain significance. Last evaluated: 2023-05-13. Review status: criteria provided, single submitter. Criteria: GeneDx Variant Classification Process June 2021. Collection method: clinical testing. Allele origin: germline. Affected: yes.
Comment: Not observed at significant frequency in large population cohorts (gnomAD); In-frame deletion of 4 amino acids in a non-repeat region; In silico analysis supports that this variant does not alter protein structure/function; Has not been previously published as pathogenic or benign to our knowledge